The following is an entry in ClinVar:

NM_001379029.1(CERT1):c.629C>T (p.Thr210Met)

Gene: CERT1 (ceramide transporter 1; minus strand). Cytogenetic location: 5q13.3.
Variant type: single nucleotide variant.
Coding change: c.629C>T on transcript NM_001379029.1 (MANE Select); coding-DNA position 629, C replaced by T.
Protein change: p.Thr210Met; replaces threonine 210 with methionine.
Molecular consequence: missense variant.
Genome position (GRCh38, 1-based): chr5:75,419,391, G>A on the plus strand (C>T on the coding strand, the complement: CERT1 is on the minus strand). VCF-style: chr5-75419391-G-A. GRCh37 (hg19) VCF-style: chr5-74715216-G-A.
Other names: c.1013C>T, p.Thr338Met (NM_001130105.1); c.629C>T, p.Thr210Met (NM_001379002.1, NM_001379003.1, NM_001379004.1 and 2 more transcripts); short protein forms T210M, T338M.
Identifiers: ClinVar variation 3038485 (VCV003038485.3), dbSNP rs141293652, ClinGen allele CA3309232.

ClinVar aggregate classification (germline): Likely benign. Review status: criteria provided, single submitter (1 of 4 stars). 2 submissions from 2 submitters: Likely benign (1). 1 of the submissions does not count toward it. Last evaluated 2023-12-01.

Conditions:
CERT1-related disorder. Also called: CERT1-related condition.

Allele frequency attached by ClinVar (database versions not stated): gnomAD exomes 0.00006; 1000 Genomes Project 30x 0.00031; 1000 Genomes Project 0.00040; ESP Exome Variant Server 0.00062; gnomAD 0.00075; TOPMed 0.00082.
gnomAD v4.1: 204 of 1,612,654 alleles (0.013%); highest among the groups gnomAD compares: African/African-American, 0.21%; 1 homozygote.

Submissions (2):

Blueprint Genetics
Classification: Likely benign. Last evaluated: 2023-12-01. Review status: criteria provided, single submitter. Criteria: ACMG Guidelines, 2015. Collection method: clinical testing. Allele origin: germline.

PreventionGenetics, part of Exact Sciences
Classification: Likely benign for CERT1-related condition. Last evaluated: 2019-05-24. Review status: no assertion criteria provided. Collection method: clinical testing. Allele origin: germline. Not counted in ClinVar's aggregate classification.
Comment: This variant is classified as likely benign based on ACMG/AMP sequence variant interpretation guidelines (Richards et al. 2015 PMID: 25741868, with internal and published modifications).